The following is an entry in ClinVar:

NM_144973.4(DENND5B):c.2245C>T (p.Arg749Cys)

Gene: DENND5B (DENN domain containing 5B; minus strand). Cytogenetic location: 12p11.21.
Variant type: single nucleotide variant.
Coding change: c.2245C>T on transcript NM_144973.4 (MANE Select); coding-DNA position 2245, C replaced by T.
Protein change: p.Arg749Cys; replaces arginine 749 with cysteine.
Molecular consequence: missense variant.
Genome position (GRCh38, 1-based): chr12:31,424,681, G>A on the plus strand (C>T on the coding strand, the complement: DENND5B is on the minus strand). VCF-style: chr12-31424681-G-A. GRCh37 (hg19) VCF-style: chr12-31577615-G-A.
Other names: c.2350C>T, p.Arg784Cys (NM_001308339.2); short protein forms R749C, R784C.
Identifiers: ClinVar variation 3501101 (VCV003501101.1).

ClinVar aggregate classification (germline): Uncertain significance (1 of 4 stars; one submission).

Submission:

Ambry Genetics
Classification: Uncertain significance. Last evaluated: 2024-11-21. Review status: criteria provided, single submitter. Criteria: Ambry Variant Classification Scheme 2023. Collection method: clinical testing. Allele origin: germline.
Comment: The c.2245C>T (p.R749C) alteration is located in exon 10 (coding exon 10) of the DENND5B gene. This alteration results from a C to T substitution at nucleotide position 2245, causing the arginine (R) at amino acid position 749 to be replaced by a cysteine (C). This variant was not reported in population-based cohorts in the Genome Aggregation Database (gnomAD). This amino acid position is highly conserved in available vertebrate species. The in silico prediction for this alteration is inconclusive. Based on insufficient or conflicting evidence, the clinical significance of this alteration remains unclear.